The following is an entry in ClinVar:

NM_000317.3(PTS):c.364C>A (p.Leu122Ile)

Gene: PTS (6-pyruvoyltetrahydropterin synthase; plus strand). Cytogenetic location: 11q23.1.
Variant type: single nucleotide variant.
Coding change: c.364C>A on transcript NM_000317.3 (MANE Select); coding-DNA position 364, C replaced by A.
Protein change: p.Leu122Ile; replaces leucine 122 with isoleucine.
Molecular consequence: missense variant.
Genome position (GRCh38, 1-based): chr11:112,233,481, C>A. VCF-style: chr11-112233481-C-A. GRCh37 (hg19) VCF-style: chr11-112104204-C-A.
Other names: short protein forms L122I.
Identifiers: ClinVar variation 1937929 (VCV001937929.3), dbSNP rs372196281, ClinGen allele CA382628048.

ClinVar aggregate classification (germline): Uncertain significance (1 of 4 stars; one submission).

Conditions:
6-Pyruvoyl-tetrahydrobiopterin synthase deficiency. Also called: PTS-Related Tetrahydrobiopterin Deficiency; BH4-deficient hyperphenylalaninemia A; PTS DEFICIENCY; 6-Pyruvoyltetrahydropterin Synthase Deficiency; HYPERPHENYLALANINEMIA, TETRAHYDROBIOPTERIN-DEFICIENT, DUE TO PTS DEFICIENCY; Hyperphenylalanemia, BH4-deficient, A. Identifiers: Orphanet 13, Orphanet 238583, MedGen C0878676, MONDO:0009863, OMIM 261640.

gnomAD v4.1: 4 of 1,613,354 alleles (0.00025%); highest among the groups gnomAD compares: Admixed American, 0.0017%; no homozygotes.

Submission:

Labcorp Genetics (formerly Invitae), Labcorp
Classification: Uncertain significance for 6-Pyruvoyl-tetrahydrobiopterin synthase deficiency. Last evaluated: 2025-07-21. Review status: criteria provided, single submitter. Criteria: Invitae Variant Classification Sherloc (09022015). Collection method: clinical testing. Allele origin: germline.
Comment: This sequence change replaces leucine, which is neutral and non-polar, with isoleucine, which is neutral and non-polar, at codon 122 of the PTS protein (p.Leu122Ile). This variant is present in population databases (no rsID available, gnomAD 0.003%). This variant has not been reported in the literature in individuals affected with PTS-related conditions. ClinVar contains an entry for this variant (Variation ID: 1937929). An algorithm developed to predict the effect of missense changes on protein structure and function outputs the following: PolyPhen-2: "Benign". The isoleucine amino acid residue is found in multiple mammalian species, which suggests that this missense change does not adversely affect protein function. In summary, the available evidence is currently insufficient to determine the role of this variant in disease. Therefore, it has been classified as a Variant of Uncertain Significance.